The following is an entry in ClinVar:

ClinVar aggregate classification (germline): Likely benign. Review status: criteria provided, multiple submitters, no conflicts (2 of 4 stars). 2 submissions from 2 submitters: Likely benign (2). Last evaluated 2024-05-21.

Conditions:
Neuronal ceroid lipofuscinosis. Also called: Neuronal Ceroid Lipofuscinoses. Identifiers: Orphanet 216, Orphanet 79263, MedGen C0027877, MONDO:0016295. Disease mechanism: loss of function.

Allele frequency attached by ClinVar (database versions not stated): gnomAD 0.00001.
gnomAD v4.1: 11 of 1,613,508 alleles (0.00068%); highest among the groups gnomAD compares: African/African-American, 0.004%; no homozygotes.

Submissions (2):

Labcorp Genetics (formerly Invitae), Labcorp
Classification: Likely benign for Neuronal ceroid lipofuscinosis. Last evaluated: 2024-05-21. Review status: criteria provided, single submitter. Criteria: Invitae Variant Classification Sherloc (09022015). Collection method: clinical testing. Allele origin: germline.

GeneDx
Classification: Likely benign. Last evaluated: 2018-01-09. Review status: criteria provided, single submitter. Criteria: GeneDx Variant Classification (06012015). Collection method: clinical testing. Allele origin: germline. Affected: yes.
Comment: This variant is considered likely benign or benign based on one or more of the following criteria: it is a conservative change, it occurs at a poorly conserved position in the protein, it is predicted to be benign by multiple in silico algorithms, and/or has population frequency not consistent with disease.

NM_025219.3(DNAJC5):c.351G>A (p.Thr117=)

Gene: DNAJC5 (DnaJ heat shock protein family (Hsp40) member C5; plus strand). Cytogenetic location: 20q13.33.
Variant type: single nucleotide variant.
Coding change: c.351G>A on transcript NM_025219.3 (MANE Select); coding-DNA position 351, G replaced by A.
Protein change: p.Thr117=; no amino-acid change (threonine 117 retained).
Molecular consequence: synonymous variant.
Genome position (GRCh38, 1-based): chr20:63,930,880, G>A. VCF-style: chr20-63930880-G-A. GRCh37 (hg19) VCF-style: chr20-62562233-G-A.
Identifiers: ClinVar variation 511547 (VCV000511547.11), dbSNP rs775067598, ClinGen allele CA9969732.